The following is an entry in ClinVar:

ClinVar aggregate classification (germline): Benign (1 of 4 stars; one submission).

Conditions:
Familial cancer of breast. Also called: Hereditary breast cancer; BREAST CANCER, FAMILIAL; hereditary breast carcinoma. Identifiers: Orphanet 227535, MedGen C0346153, MONDO:0016419, OMIM 114480. Disease mechanism: loss of function.

Submission:

Myriad Genetics, Inc.
Classification: Benign for Familial cancer of breast. Last evaluated: 2024-10-03. Review status: criteria provided, single submitter. Criteria: Myriad Autosomal Dominant, Autosomal Recessive and X-Linked Classification Criteria (2023). Collection method: clinical testing. Allele origin: unknown.
Comment: This variant is considered benign. This variant is a silent/synonymous amino acid change and it is not expected to impact splicing.

NM_007194.4(CHEK2):c.702A>T (p.Val234=)

Gene: CHEK2 (checkpoint kinase 2; minus strand). Cytogenetic location: 22q12.1.
Variant type: single nucleotide variant.
Coding change: c.702A>T on transcript NM_007194.4 (MANE Select); coding-DNA position 702, A replaced by T.
Protein change: p.Val234=; no amino-acid change (valine 234 retained).
Molecular consequence: synonymous variant.
Genome position (GRCh38, 1-based): chr22:28,711,999, T>A on the plus strand (A>T on the coding strand, the complement: CHEK2 is on the minus strand). VCF-style: chr22-28711999-T-A. GRCh37 (hg19) VCF-style: chr22-29107987-T-A.
Other names: c.831A>T, p.Val277= (NM_001005735.3); c.39A>T, p.Val13= (NM_001257387.3); c.501A>T, p.Val167= (NM_001349956.3); c.702A>T, p.Val234= (NM_145862.3).
Identifiers: ClinVar variation 3772951 (VCV003772951.1).